The following is an entry in ClinVar:

NM_001267550.2(TTN):c.63065G>A (p.Arg21022His)

Genes: TTN-AS1 (TTN antisense RNA 1; plus strand), TTN (titin; minus strand). Cytogenetic location: 2q31.2.
Variant type: single nucleotide variant.
Coding change: c.63065G>A on transcript NM_001267550.2 (MANE Select); coding-DNA position 63065, G replaced by A.
Protein change: p.Arg21022His; replaces arginine 21022 with histidine.
Molecular consequence: missense variant.
Genome position (GRCh38, 1-based): chr2:178,588,660, C>T on the plus strand (G>A on the coding strand, the complement: TTN is on the minus strand). VCF-style: chr2-178588660-C-T. GRCh37 (hg19) VCF-style: chr2-179453387-C-T.
Other names: c.35870G>A, p.Arg11957His (NM_003319.4); c.36245G>A, p.Arg12082His (NM_133432.3); c.36446G>A, p.Arg12149His (NM_133437.4); c.58142G>A, p.Arg19381His (NM_001256850.1); c.55361G>A, p.Arg18454His (NM_133378.4); short protein forms R18454H, R21022H, R19381H, R11957H, R12082H, R12149H.
Identifiers: ClinVar variation 165911 (VCV000165911.22), dbSNP rs727503585, ClinGen allele CA178627.

ClinVar aggregate classification (germline): Conflicting classifications of pathogenicity. Review status: criteria provided, conflicting classifications (1 of 4 stars). 6 submissions from 6 submitters: Uncertain significance (3); Likely benign (2). 1 of the submissions does not count toward it. Last evaluated 2025-12-08.

Conditions:
TTN-related disorder. Also called: TTN-related condition; TTN-related disease; TTN-related disorders.
Cardiovascular phenotype. Identifiers: MedGen CN230736.
Dilated cardiomyopathy 1G (CMD1G). Identifiers: Orphanet 154, MedGen C1858763, MONDO:0011400, OMIM 604145.
Autosomal recessive limb-girdle muscular dystrophy type 2J (LGMDR10). Also called: Limb-girdle muscular dystrophy, type 2J; MUSCULAR DYSTROPHY, LIMB-GIRDLE, AUTOSOMAL RECESSIVE 10. Identifiers: Orphanet 140922, MedGen C1837342, MONDO:0012127, OMIM 608807.

Allele frequency attached by ClinVar (database versions not stated): gnomAD 0.00007; TOPMed 0.00011; ExAC 0.00012; gnomAD exomes 0.00013.
gnomAD v4.1: 58 of 1,611,144 alleles (0.0036%); highest among the groups gnomAD compares: Admixed American, 0.052%; no homozygotes.

Submissions (6):

Labcorp Genetics (formerly Invitae), Labcorp
Classification: Likely benign for Dilated cardiomyopathy 1G; Autosomal recessive limb-girdle muscular dystrophy type 2J. Last evaluated: 2025-12-08. Review status: criteria provided, single submitter. Criteria: Invitae Variant Classification Sherloc (09022015). Collection method: clinical testing. Allele origin: germline.

Revvity Omics, Revvity
Classification: Uncertain significance. Last evaluated: 2023-11-30. Review status: criteria provided, single submitter. Criteria: ACMG Guidelines, 2015. Collection method: clinical testing. Allele origin: germline.

Ambry Genetics
Classification: Uncertain significance for Cardiovascular phenotype. Last evaluated: 2020-01-29. Review status: criteria provided, single submitter. Criteria: Ambry Variant Classification Scheme 2023. Collection method: clinical testing. Allele origin: germline.
Comment: The p.R11957H variant (also known as c.35870G>A), located in coding exon 131 of the TTN gene, results from a G to A substitution at nucleotide position 35870. The arginine at codon 11957 is replaced by histidine, an amino acid with highly similar properties. This amino acid position is highly conserved in available vertebrate species. In addition, this alteration is predicted to be tolerated by in silico analysis. Since supporting evidence is limited at this time, the clinical significance of this alteration remains unclear.

GeneDx
Classification: Likely benign. Last evaluated: 2018-01-11. Review status: criteria provided, single submitter. Criteria: GeneDx Variant Classification (06012015). Collection method: clinical testing. Allele origin: germline. Affected: yes.
Comment: This variant is considered likely benign or benign based on one or more of the following criteria: it is a conservative change, it occurs at a poorly conserved position in the protein, it is predicted to be benign by multiple in silico algorithms, and/or has population frequency not consistent with disease.

Laboratory for Molecular Medicine, Mass General Brigham Personalized Medicine
Classification: Uncertain significance. Last evaluated: 2014-02-28. Review status: criteria provided, single submitter. Criteria: LMM Criteria. Collection method: clinical testing. Allele origin: germline. Observed: 1 variant allele.
Comment: The Arg18454His variant in TTN has not been previously reported in individuals w ith cardiomyopathy or in large population studies. Computational prediction tool s and evolutionary conservation of the affected amino acid suggest that this var iant may impact the protein, though this information is not predictive enough to determine pathogenicity. Additional information is needed to fully assess the c linical significance of this variant.

PreventionGenetics, part of Exact Sciences
Classification: Uncertain significance for TTN-related condition. Last evaluated: 2024-04-04. Review status: no assertion criteria provided. Collection method: clinical testing. Allele origin: germline. Not counted in ClinVar's aggregate classification.
Comment: The TTN c.63065G>A variant is predicted to result in the amino acid substitution p.Arg21022His. To our knowledge, this variant has not been reported in the literature. This variant is reported in 0.077% of alleles in individuals of Latino descent in gnomAD. Although we suspect that this variant may be benign, at this time, the clinical significance of this variant is uncertain due to the absence of conclusive functional and genetic evidence.